The following is an entry in ClinVar:

ClinVar aggregate classification (germline): Uncertain significance (1 of 4 stars; one submission).

Conditions:
Mucopolysaccharidosis, MPS-IV-A (MPS4A). Also called: Morquio syndrome A, mild; MORQUIO SYNDROME A; Mucopolysaccharidosis type IV A; Mucopolysaccharidosis Type IVA; GALACTOSAMINE-6-SULFATASE DEFICIENCY; GALNS DEFICIENCY. Identifiers: Orphanet 309297, Orphanet 582, MedGen C0086651, MONDO:0009659, OMIM 253000.

Allele frequency attached by ClinVar (database versions not stated): gnomAD exomes below 0.00001 and 0.00002; ExAC 0.00001; gnomAD 0.00001; TOPMed 0.00001.
gnomAD v4.1: 29 of 1,610,364 alleles (0.0018%); highest among the groups gnomAD compares: Non-Finnish European, 0.0024%; no homozygotes.

Submission:

Labcorp Genetics (formerly Invitae), Labcorp
Classification: Uncertain significance for Mucopolysaccharidosis, MPS-IV-A. Last evaluated: 2022-02-03. Review status: criteria provided, single submitter. Criteria: Invitae Variant Classification Sherloc (09022015). Collection method: clinical testing. Allele origin: germline.
Comment: This sequence change replaces valine, which is neutral and non-polar, with isoleucine, which is neutral and non-polar, at codon 283 of the GALNS protein (p.Val283Ile). The frequency data for this variant in the population databases is considered unreliable, as metrics indicate poor data quality at this position in the gnomAD database. This variant has not been reported in the literature in individuals affected with GALNS-related conditions. ClinVar contains an entry for this variant (Variation ID: 999494). Advanced modeling of protein sequence and biophysical properties (such as structural, functional, and spatial information, amino acid conservation, physicochemical variation, residue mobility, and thermodynamic stability) performed at Invitae indicates that this missense variant is not expected to disrupt GALNS protein function. In summary, the available evidence is currently insufficient to determine the role of this variant in disease. Therefore, it has been classified as a Variant of Uncertain Significance.

NM_000512.5(GALNS):c.847G>A (p.Val283Ile)

Gene: GALNS (galactosamine (N-acetyl)-6-sulfatase; minus strand). Cytogenetic location: 16q24.3.
Variant type: single nucleotide variant.
Coding change: c.847G>A on transcript NM_000512.5 (MANE Select); coding-DNA position 847, G replaced by A.
Protein change: p.Val283Ile; replaces valine 283 with isoleucine.
Molecular consequence: missense variant.
Genome position (GRCh38, 1-based): chr16:88,835,264, C>T on the plus strand (G>A on the coding strand, the complement: GALNS is on the minus strand). VCF-style: chr16-88835264-C-T. GRCh37 (hg19) VCF-style: chr16-88901672-C-T.
Other names: c.292G>A, p.Val98Ile (NM_001323543.2); c.865G>A, p.Val289Ile (NM_001323544.2); short protein forms V283I, V289I, V98I.
Identifiers: ClinVar variation 999494 (VCV000999494.4), dbSNP rs772097990, ClinGen allele CA8234962.
Genomic context (GRCh38, chr16:88,835,264, plus strand): 5'-AGCACTCACCTTGTTCGGGGGCGGAAATGAGGGCAGCGCCGTTGTCCGACGTGAAGAAGA[C>T]GAAGGTGTTGTCCGCGACGTGCAGGTCTTGGAGGAGCTCCAGTATCTTCCCAATGCTGTC-3'
Protein context (NP_000503.1, residues 273-293): QDLHVADNTF[Val283Ile]FFTSDNGAAL